The following is an entry in ClinVar:

NM_152564.5(VPS13B):c.11993G>A (p.Ter3998=)

Gene: VPS13B (vacuolar protein sorting 13 homolog B; plus strand). Cytogenetic location: 8q22.2.
Variant type: single nucleotide variant.
Coding change: c.11993G>A on transcript NM_152564.5 (MANE Select); coding-DNA position 11993, G replaced by A.
Protein change: p.Ter3998=.
Molecular consequence: synonymous variant.
Genome position (GRCh38, 1-based): chr8:99,875,665, G>A. VCF-style: chr8-99875665-G-A. GRCh37 (hg19) VCF-style: chr8-100887893-G-A.
Other names: c.11993G>A (NM_152564.4); c.12068G>A, p.Ter4023= (NM_017890.5).
Identifiers: ClinVar variation 1113921 (VCV001113921.10), dbSNP rs773765592, ClinGen allele CA4825387.

ClinVar aggregate classification (germline): Likely benign. Review status: criteria provided, multiple submitters, no conflicts (2 of 4 stars). 2 submissions from 2 submitters: Likely benign (2). Last evaluated 2025-07-28.

Conditions:
Cohen syndrome (COH1). Also called: Cutis verticis gyrata, retinitis pigmentosa, and sensorineural deafness; PEPPER SYNDROME. Identifiers: Orphanet 193, MedGen C0265223, MONDO:0008999, OMIM 216550.
VPS13B-related disorder. Also called: VPS13B-related condition.

Allele frequency attached by ClinVar (database versions not stated): gnomAD 0.00001; gnomAD exomes 0.00001 and 0.00002; ExAC 0.00002; TOPMed 0.00002.
gnomAD v4.1: 17 of 1,613,964 alleles (0.0011%); highest among the groups gnomAD compares: South Asian, 0.016%; no homozygotes.

Submissions (2):

Labcorp Genetics (formerly Invitae), Labcorp
Classification: Likely benign for Cohen syndrome. Last evaluated: 2025-07-28. Review status: criteria provided, single submitter. Criteria: Invitae Variant Classification Sherloc (09022015). Collection method: clinical testing. Allele origin: germline.

PreventionGenetics, part of Exact Sciences
Classification: Likely benign for VPS13B-related condition. Last evaluated: 2024-12-18. Review status: criteria provided, single submitter. Criteria: ACMG Guidelines, 2015. Collection method: clinical testing. Allele origin: germline.
Comment: This variant is classified as likely benign based on ACMG/AMP sequence variant interpretation guidelines (Richards et al. 2015 PMID: 25741868, with internal and published modifications).